The following is an entry in ClinVar:

NM_000492.4(CFTR):c.2807C>T (p.Pro936Leu)

Gene: CFTR (CF transmembrane conductance regulator; plus strand). Cytogenetic location: 7q31.2.
Variant type: single nucleotide variant.
Coding change: c.2807C>T on transcript NM_000492.4 (MANE Select); coding-DNA position 2807, C replaced by T.
Protein change: p.Pro936Leu; replaces proline 936 with leucine.
Molecular consequence: missense variant.
Genome position (GRCh38, 1-based): chr7:117,603,681, C>T. VCF-style: chr7-117603681-C-T. GRCh37 (hg19) VCF-style: chr7-117243735-C-T.
Other names: short protein forms P936L.
Identifiers: ClinVar variation 1796276 (VCV001796276.2), dbSNP rs1246404183, ClinGen allele CA368986969.

ClinVar aggregate classification (germline): Uncertain significance (1 of 4 stars; one submission).

Conditions:
Cystic fibrosis (CF). Also called: MUCOVISCIDOSIS. Identifiers: Orphanet 586, MedGen C0010674, MONDO:0009061, OMIM 219700. Disease mechanism: loss of function.

Allele frequency attached by ClinVar (database versions not stated): gnomAD 0.00001; gnomAD exomes below 0.00001.
gnomAD v4.1: 3 of 1,613,954 alleles (0.00019%); highest among the groups gnomAD compares: Non-Finnish European, 0.00025%; no homozygotes.

Submission:

Ambry Genetics
Classification: Uncertain significance for Cystic fibrosis. Last evaluated: 2023-09-29. Review status: criteria provided, single submitter. Criteria: Ambry Variant Classification Scheme 2023. Collection method: clinical testing. Allele origin: germline.
Comment: The p.P936L variant (also known as c.2807C>T), located in coding exon 17 of the CFTR gene, results from a C to T substitution at nucleotide position 2807. The proline at codon 936 is replaced by leucine, an amino acid with similar properties. This amino acid position is conserved. In addition, the in silico prediction for this alteration is inconclusive. Since supporting evidence is limited at this time, the clinical significance of this alteration remains unclear.